The following is an entry in ClinVar:

ClinVar aggregate classification (germline): Uncertain significance (1 of 4 stars; one submission).

Allele frequency attached by ClinVar (database versions not stated): gnomAD exomes below 0.00001; ExAC 0.00001.

Submission:

Labcorp Genetics (formerly Invitae), Labcorp
Classification: Uncertain significance. Last evaluated: 2024-01-02. Review status: criteria provided, single submitter. Criteria: Invitae Variant Classification Sherloc (09022015). Collection method: clinical testing. Allele origin: germline.
Comment: This sequence change replaces proline, which is neutral and non-polar, with leucine, which is neutral and non-polar, at codon 388 of the ABRAXAS1 protein (p.Pro388Leu). This variant is present in population databases (rs759305711, gnomAD 0.0009%). This variant has not been reported in the literature in individuals affected with ABRAXAS1-related conditions. Algorithms developed to predict the effect of missense changes on protein structure and function output the following: SIFT: "Not Available"; PolyPhen-2: "Benign"; Align-GVGD: "Not Available". The leucine amino acid residue is found in multiple mammalian species, which suggests that this missense change does not adversely affect protein function. In summary, the available evidence is currently insufficient to determine the role of this variant in disease. Therefore, it has been classified as a Variant of Uncertain Significance.

NM_139076.3(ABRAXAS1):c.1163C>T (p.Pro388Leu)

Gene: ABRAXAS1 (abraxas 1, BRCA1 A complex subunit; minus strand). Cytogenetic location: 4q21.23.
Variant type: single nucleotide variant.
Coding change: c.1163C>T on transcript NM_139076.3 (MANE Select); coding-DNA position 1163, C replaced by T.
Protein change: p.Pro388Leu; replaces proline 388 with leucine.
Molecular consequence: missense variant.
Genome position (GRCh38, 1-based): chr4:83,462,536, G>A on the plus strand (C>T on the coding strand, the complement: ABRAXAS1 is on the minus strand). VCF-style: chr4-83462536-G-A. GRCh37 (hg19) VCF-style: chr4-84383689-G-A.
Other names: c.836C>T, p.Pro279Leu (NM_001345962.2); short protein forms P388L, P279L.
Identifiers: ClinVar variation 2882645 (VCV002882645.3), dbSNP rs759305711, ClinGen allele CA2990362.